The following is an entry in ClinVar:

ClinVar aggregate classification (germline): Uncertain significance (1 of 4 stars; one submission).

Conditions:
Myofibrillar myopathy 4. Also called: Zaspopathy (type). Identifiers: Orphanet 98912, MedGen C4721886, MONDO:0012277, OMIM 609452.

Submission:

Labcorp Genetics (formerly Invitae), Labcorp
Classification: Uncertain significance for Myofibrillar myopathy 4. Last evaluated: 2023-05-23. Review status: criteria provided, single submitter. Criteria: Invitae Variant Classification Sherloc (09022015). Collection method: clinical testing. Allele origin: germline.
Comment: The LDB3 gene has multiple clinically relevant transcripts. This variant occurs in alternate transcript NM_007078.3, and corresponds to NM_001080116.1:c.321+1643G>C in the primary transcript. This sequence change replaces glycine, which is neutral and non-polar, with alanine, which is neutral and non-polar, at codon 229 of the LDB3 protein (p.Gly229Ala). In summary, the available evidence is currently insufficient to determine the role of this variant in disease. Therefore, it has been classified as a Variant of Uncertain Significance. Algorithms developed to predict the effect of sequence changes on RNA splicing suggest that this variant is not likely to affect RNA splicing. Experimental studies and prediction algorithms are not available or were not evaluated, and the functional significance of this variant is currently unknown. ClinVar contains an entry for this variant (Variation ID: 1572509). This variant has not been reported in the literature in individuals affected with LDB3-related conditions. This variant is not present in population databases (gnomAD no frequency).

NM_007078.3(LDB3):c.686G>C (p.Gly229Ala)

Gene: LDB3 (LIM domain binding 3; plus strand). Cytogenetic location: 10q23.2.
Variant type: single nucleotide variant.
Coding change: c.686G>C on transcript NM_007078.3 (MANE Select); coding-DNA position 686, G replaced by C.
Protein change: p.Gly229Ala; replaces glycine 229 with alanine.
Molecular consequence: missense variant. On other transcripts: intron variant (5).
Genome position (GRCh38, 1-based): chr10:86,681,800, G>C. VCF-style: chr10-86681800-G-C. GRCh37 (hg19) VCF-style: chr10-88441557-G-C.
Other names: c.686G>C, p.Gly229Ala (NM_001080115.2, NM_001171610.2, NM_001171611.2 and 3 more transcripts); c.321+1643G>C (NM_001368068.1, NM_001368066.1, NM_001080114.2 and 2 more transcripts); short protein forms G229A.
Identifiers: ClinVar variation 1572509 (VCV001572509.8), dbSNP rs1131691665, ClinGen allele CA377455775.